The following is an entry in ClinVar:

ClinVar aggregate classification (germline): Uncertain significance (1 of 4 stars; one submission).

Conditions:
Hereditary hemorrhagic telangiectasia (HHT). Also called: ORW DISEASE; Osler Weber Rendu syndrome; OSLER-RENDU-WEBER DISEASE; Osler hemorrhagic telangiectasia syndrome. Identifiers: Orphanet 774, MedGen C0039445, MONDO:0019180. Disease mechanism: loss of function.

Submission:

Labcorp Genetics (formerly Invitae), Labcorp
Classification: Uncertain significance for Hereditary hemorrhagic telangiectasia. Last evaluated: 2025-11-03. Review status: criteria provided, single submitter. Criteria: Invitae Variant Classification Sherloc (09022015). Collection method: clinical testing. Allele origin: germline.
Comment: This sequence change replaces glutamine, which is neutral and polar, with glutamic acid, which is acidic and polar, at codon 472 of the ENG protein (p.Gln472Glu). This variant is not present in population databases (gnomAD no frequency). This variant has not been reported in the literature in individuals affected with ENG-related conditions. ClinVar contains an entry for this variant (Variation ID: 2710696). Invitae Evidence Modeling of protein sequence and biophysical properties (such as structural, functional, and spatial information, amino acid conservation, physicochemical variation, residue mobility, and thermodynamic stability) indicates that this missense variant is expected to disrupt ENG protein function with a positive predictive value of 80%. In summary, the available evidence is currently insufficient to determine the role of this variant in disease. Therefore, it has been classified as a Variant of Uncertain Significance.

NM_001114753.3(ENG):c.1414C>G (p.Gln472Glu)

Genes: ENG (endoglin; minus strand), LOC102723566 (uncharacterized LOC102723566; plus strand). Cytogenetic location: 9q34.11.
Variant type: single nucleotide variant.
Coding change: c.1414C>G on transcript NM_001114753.3 (MANE Select); coding-DNA position 1414, C replaced by G.
Protein change: p.Gln472Glu; replaces glutamine 472 with glutamic acid.
Molecular consequence: missense variant.
Genome position (GRCh38, 1-based): chr9:127,818,730, G>C on the plus strand (C>G on the coding strand, the complement: ENG is on the minus strand). VCF-style: chr9-127818730-G-C. GRCh37 (hg19) VCF-style: chr9-130581009-G-C.
Other names: c.1414C>G, p.Gln472Glu (NM_000118.4); c.868C>G, p.Gln290Glu (NM_001278138.2); short protein forms Q290E, Q472E.
Identifiers: ClinVar variation 2710696 (VCV002710696.3), dbSNP rs2539060865, ClinGen allele CA374976658.
Genomic context (GRCh38, chr9:127,818,730, plus strand): 5'-GTTCCAGGAGCTGGGAGGCCCGAGGGGTGACAGGCATGCCAGGTACCTGCACAAAGCTCT[G>C]CTGCCCCGGCTCGATGGTGTTGGAGGCCTGGAGGAAGTGTGGGCTGAGGTAGAGGCCCAG-3'
Protein context (NP_001108225.1, residues 462-482): QASNTIEPGQ[Gln472Glu]SFVQVRVSPS